The following is an entry in ClinVar:

ClinVar aggregate classification (germline): Uncertain significance (1 of 4 stars; one submission).

Submission:

Women's Health and Genetics/Laboratory Corporation of America, LabCorp
Classification: Uncertain significance. Last evaluated: 2025-04-02. Review status: criteria provided, single submitter. Criteria: LabCorp Variant Classification Summary - May 2015. Collection method: clinical testing. Allele origin: germline.
Comment: Variant summary: AIRE c.38T>C (p.Leu13Pro) results in a non-conservative amino acid change in the encoded protein sequence. Five of five in-silico tools predict a damaging effect of the variant on protein function. The frequency data for this variant in gnomAD is considered unreliable, as metrics indicate poor data quality at this position. c.38T>C has been reported in the literature in individuals affected with Autoimmune Polyglandular Syndrome Type 1 (Orlova_2017, Wang_2019, Wang_2021). These data do not allow any conclusion about variant significance. To our knowledge, no experimental evidence demonstrating an impact on protein function has been reported. The following publications have been ascertained in the context of this evaluation (PMID: 28911151, 31433868, 34217342). No submitters have cited clinical-significance assessments for this variant to ClinVar. Based on the evidence outlined above, the variant was classified as uncertain significance.

Literature cited by the submitters: PubMed 28911151; PubMed 31433868; PubMed 34217342.

NM_000383.4(AIRE):c.38T>C (p.Leu13Pro)

Gene: AIRE (autoimmune regulator; plus strand). Cytogenetic location: 21q22.3.
Variant type: single nucleotide variant.
Coding change: c.38T>C on transcript NM_000383.4 (MANE Select); coding-DNA position 38, T replaced by C.
Protein change: p.Leu13Pro; replaces leucine 13 with proline.
Molecular consequence: missense variant.
Genome position (GRCh38, 1-based): chr21:44,286,044, T>C. VCF-style: chr21-44286044-T-C. GRCh37 (hg19) VCF-style: chr21-45705927-T-C.
Other names: short protein forms L13P.
Identifiers: ClinVar variation 3896535 (VCV003896535.3).
Genomic context (GRCh38, chr21:44,286,044, plus strand): 5'-CCCCGGGTCCCCGCGCCCACCCCATGGCGACGGACGCGGCGCTACGCCGGCTTCTGAGGC[T>C]GCACCGCACGGAGATCGCGGTGGCCGTGGACAGCGCCTTCCCACTGCTGCACGCGCTGGC-3'
Protein context (NP_000374.1, residues 3-23): TDAALRRLLR[Leu13Pro]HRTEIAVAVD